The following is an entry in ClinVar:

NM_001042492.3(NF1):c.8110C>T (p.Gln2704Ter)

Gene: NF1 (neurofibromin 1; plus strand). Cytogenetic location: 17q11.2.
Variant type: single nucleotide variant.
Coding change: c.8110C>T on transcript NM_001042492.3 (MANE Select); coding-DNA position 8110, C replaced by T.
Protein change: p.Gln2704Ter; replaces glutamine 2704 with a stop codon.
Molecular consequence: nonsense.
Genome position (GRCh38, 1-based): chr17:31,358,619, C>T. VCF-style: chr17-31358619-C-T. GRCh37 (hg19) VCF-style: chr17-29685637-C-T.
Other names: c.8047C>T, p.Gln2683Ter (NM_000267.4); short protein forms Q2683*, Q2704*.
Identifiers: ClinVar variation 3237972 (VCV003237972.1), dbSNP rs2151585159.
Genomic context (GRCh38, chr17:31,358,619, plus strand): 5'-ATTGTGCAGAGTGTGGTGTACCATGAAGAATCCCCACCACAATACCAAACATCTTACCTG[C>T]AAAGTAAATAAATGTATCTGGAGAAGGATGGTTGATGAACTTGCTAACATGCGCGCTGTT-3'

ClinVar aggregate classification (germline): Pathogenic (1 of 4 stars; one submission).

Conditions:
Hereditary cancer-predisposing syndrome. Also called: Neoplastic Syndromes, Hereditary; Tumor predisposition; Hereditary neoplastic syndrome; Hereditary Cancer Syndrome. Identifiers: Orphanet 140162, MedGen C0027672, MeSH D009386, MONDO:0015356.
Cardiovascular phenotype. Identifiers: MedGen CN230736.

Submission:

Ambry Genetics
Classification: Pathogenic for Cardiovascular phenotype; Hereditary cancer-predisposing syndrome. Last evaluated: 2023-08-03. Review status: criteria provided, single submitter. Criteria: Ambry Variant Classification Scheme 2023. Collection method: clinical testing. Allele origin: germline.
Comment: The p.Q2683* pathogenic mutation (also known as c.8047C>T), located in coding exon 54 of the NF1 gene, results from a C to T substitution at nucleotide position 8047. This changes the amino acid from a glutamine to a stop codon within coding exon 54. This alteration was seen in a cohort of patients with either clinical diagnosis of or suspicion of neurofibromatosis type 1 (Ars E et al. J Med Genet, 2003 Jun;40:e82). This variant is considered to be rare based on population cohorts in the Genome Aggregation Database (gnomAD). In addition to the clinical data presented in the literature, this alteration is expected to result in loss of function by premature protein truncation or nonsense-mediated mRNA decay. As such, this alteration is interpreted as a disease-causing mutation.